The following is an entry in ClinVar:

ClinVar aggregate classification (germline): Uncertain significance (1 of 4 stars; one submission).

Allele frequency attached by ClinVar (database versions not stated): ExAC 0.00001; gnomAD 0.00001; gnomAD exomes 0.00001; TOPMed 0.00001.
gnomAD v4.1: 12 of 1,613,064 alleles (0.00074%); highest among the groups gnomAD compares: South Asian, 0.0044%; no homozygotes.

Submission:

Ambry Genetics
Classification: Uncertain significance. Last evaluated: 2024-03-25. Review status: criteria provided, single submitter. Criteria: Ambry Variant Classification Scheme 2023. Collection method: clinical testing. Allele origin: germline.
Comment: The p.C350Y variant (also known as c.1049G>A), located in coding exon 7 of the POLQ gene, results from a G to A substitution at nucleotide position 1049. The cysteine at codon 350 is replaced by tyrosine, an amino acid with highly dissimilar properties. This amino acid position is conserved. In addition, this alteration is predicted to be deleterious by in silico analysis. Since supporting evidence is limited at this time, the clinical significance of this alteration remains unclear.

NM_199420.4(POLQ):c.1049G>A (p.Cys350Tyr)

Gene: POLQ (DNA polymerase theta; minus strand). Cytogenetic location: 3q13.33.
Variant type: single nucleotide variant.
Coding change: c.1049G>A on transcript NM_199420.4 (MANE Select); coding-DNA position 1049, G replaced by A.
Protein change: p.Cys350Tyr; replaces cysteine 350 with tyrosine.
Molecular consequence: missense variant.
Genome position (GRCh38, 1-based): chr3:121,529,704, C>T on the plus strand (G>A on the coding strand, the complement: POLQ is on the minus strand). VCF-style: chr3-121529704-C-T. GRCh37 (hg19) VCF-style: chr3-121248551-C-T.
Other names: short protein forms C350Y.
Identifiers: ClinVar variation 1776407 (VCV001776407.2), dbSNP rs777928245, ClinGen allele CA2563659.
Genomic context (GRCh38, chr3:121,529,704, plus strand): 5'-CCCTCAGCTTGATGATGTAGATTATAAAACTCTCGAGCAATGATATCTGCCAGCTTCTCA[C>T]ACCATTTCTTTGATGGACAAAAAAGTAATACTGAATGGTTATCACAAATCGTCTCATAAC-3'
Protein context (NP_955452.3, residues 340-360): VLLFCPSKKW[Cys350Tyr]EKLADIIARE